The following is an entry in ClinVar:

ClinVar aggregate classification (germline): Conflicting classifications of pathogenicity. Review status: criteria provided, conflicting classifications (1 of 4 stars). 3 submissions from 3 submitters: Uncertain significance (1); Benign (1); Likely benign (1). Last evaluated 2025-12-30.

Conditions:
FLNB-Related Spectrum Disorders.

Allele frequency attached by ClinVar (database versions not stated): ExAC 0.00013; gnomAD exomes 0.00014 and 0.00031; gnomAD 0.00017 and 0.00019; ESP Exome Variant Server 0.00023; TOPMed 0.00023.
gnomAD v4.1: 473 of 1,614,054 alleles (0.029%); highest among the groups gnomAD compares: Non-Finnish European, 0.039%; no homozygotes.

Submissions (3):

Labcorp Genetics (formerly Invitae), Labcorp
Classification: Likely benign. Last evaluated: 2025-12-30. Review status: criteria provided, single submitter. Criteria: Invitae Variant Classification Sherloc (09022015). Collection method: clinical testing. Allele origin: germline.

GeneDx
Classification: Uncertain significance. Last evaluated: 2025-05-20. Review status: criteria provided, single submitter. Criteria: GeneDx Variant Classification Process June 2021. Collection method: clinical testing. Allele origin: germline. Affected: yes.
Comment: Reported in a patient with autosomal recessive Sensenbrenner syndrome who also harbored a variant of uncertain significance in the SKI gene and the FLNB variant was inherited from the unaffected father (PMID: 24123776); In silico analysis supports that this missense variant has a deleterious effect on protein structure/function; This variant is associated with the following publications: (PMID: 24123776, 29758562)

Illumina Laboratory Services, Illumina
Classification: Benign for FLNB-Related Spectrum Disorders. Last evaluated: 2017-04-27. Review status: criteria provided, single submitter. Criteria: ICSL Variant Classification Criteria 13 December 2019. Collection method: clinical testing. Allele origin: germline.
Comment: This variant was observed as part of a predisposition screen in an ostensibly healthy population. A literature search was performed for the gene, cDNA change, and amino acid change (where applicable). Publications were found based on this search. The evidence from the literature, in combination with allele frequency data from public databases where available, was sufficient to rule this variant out of causing disease. Therefore, this variant is classified as benign.

Literature cited by the submitters: PubMed 24123776 (cited by Illumina Laboratory Services, Illumina).

NM_001457.4(FLNB):c.7183G>A (p.Glu2395Lys)

Genes: FLNB (filamin B; plus strand), FLNB-AS1 (FLNB antisense RNA 1; minus strand). Cytogenetic location: 3p14.3.
Variant type: single nucleotide variant.
Coding change: c.7183G>A on transcript NM_001457.4 (MANE Select); coding-DNA position 7183, G replaced by A.
Protein change: p.Glu2395Lys; replaces glutamic acid 2395 with lysine.
Molecular consequence: missense variant. On other transcripts: non-coding transcript variant (1).
Genome position (GRCh38, 1-based): chr3:58,163,315, G>A. VCF-style: chr3-58163315-G-A. GRCh37 (hg19) VCF-style: chr3-58149042-G-A.
Other names: c.7276G>A, p.Glu2426Lys (NM_001164317.2); c.7150G>A, p.Glu2384Lys (NM_001164318.2); c.7111G>A, p.Glu2371Lys (NM_001164319.2); short protein forms E2395K, E2384K, E2371K, E2426K.
Identifiers: ClinVar variation 903338 (VCV000903338.12), dbSNP rs142023538, ClinGen allele CA2469618.